The following is an entry in ClinVar:

ClinVar aggregate classification (germline): Uncertain significance (1 of 4 stars; one submission).

Conditions:
Hypertrophic cardiomyopathy. Also called: HYPERTROPHIC MYOCARDIOPATHY. Identifiers: Orphanet 217569, MedGen C0007194, MeSH D002312, MONDO:0005045, HP:0001639.

Submission:

Labcorp Genetics (formerly Invitae), Labcorp
Classification: Uncertain significance for Hypertrophic cardiomyopathy. Last evaluated: 2018-11-27. Review status: criteria provided, single submitter. Criteria: Invitae Variant Classification Sherloc (09022015). Collection method: clinical testing. Allele origin: germline.
Comment: Algorithms developed to predict the effect of missense changes on protein structure and function are either unavailable or do not agree on the potential impact of this missense change (SIFT: "Deleterious"; PolyPhen-2: "Probably Damaging"; Align-GVGD: "Class C0"). In summary, the available evidence is currently insufficient to determine the role of this variant in disease. Therefore, it has been classified as a Variant of Uncertain Significance. This variant has not been reported in the literature in individuals with MYH7-related conditions. This variant is not present in population databases (ExAC no frequency). This sequence change replaces leucine with glutamine at codon 1701 of the MYH7 protein (p.Leu1701Gln). The leucine residue is highly conserved and there is a moderate physicochemical difference between leucine and glutamine.

NM_000257.4(MYH7):c.5102T>A (p.Leu1701Gln)

Genes: MHRT (myosin heavy chain associated RNA transcript; plus strand), MYH7 (myosin heavy chain 7; minus strand), LOC126861897 (BRD4-independent group 4 enhancer GRCh37_chr14:23884455-23885654; plus strand). Cytogenetic location: 14q11.2.
Variant type: single nucleotide variant.
Coding change: c.5102T>A on transcript NM_000257.4 (MANE Select); coding-DNA position 5102, T replaced by A.
Protein change: p.Leu1701Gln; replaces leucine 1701 with glutamine.
Molecular consequence: missense variant. On other transcripts: non-coding transcript variant (1).
Genome position (GRCh38, 1-based): chr14:23,415,684, A>T on the plus strand (T>A on the coding strand, the complement: MYH7 is on the minus strand). VCF-style: chr14-23415684-A-T. GRCh37 (hg19) VCF-style: chr14-23884893-A-T.
Other names: short protein forms L1701Q.
Identifiers: ClinVar variation 656326 (VCV000656326.9), dbSNP rs1595072643, ClinGen allele CA389036959.